The following is an entry in ClinVar:

NM_000113.3(TOR1A):c.157A>C (p.Lys53Gln)

Gene: TOR1A (torsin family 1 member A; minus strand). Cytogenetic location: 9q34.11.
Variant type: single nucleotide variant.
Coding change: c.157A>C on transcript NM_000113.3 (MANE Select); coding-DNA position 157, A replaced by C.
Protein change: p.Lys53Gln; replaces lysine 53 with glutamine.
Molecular consequence: missense variant.
Genome position (GRCh38, 1-based): chr9:129,823,929, T>G on the plus strand (A>C on the coding strand, the complement: TOR1A is on the minus strand). VCF-style: chr9-129823929-T-G. GRCh37 (hg19) VCF-style: chr9-132586208-T-G.
Other names: short protein forms K53Q.
Identifiers: ClinVar variation 2580082 (VCV002580082.1), dbSNP rs144250639, ClinGen allele CA5278745.
Genomic context (GRCh38, chr9:129,823,929, plus strand): 5'-CAGCCCCAGCCCCAGCCTCCAGCCCCCGCCCCAGCCTACCCTCCCGGCTAAGGCTCCGCT[T>G]CTGCCCGCAGCACTCGGCGAAGAGGCAGTAGAGACGCGGGTAGATGTAGCCGGTGAGGAC-3'
Protein context (NP_000104.1, residues 43-63): YCLFAECCGQ[Lys53Gln]RSLSREALQK

ClinVar aggregate classification (germline): Uncertain significance (1 of 4 stars; one submission).

Allele frequency attached by ClinVar (database versions not stated): gnomAD exomes below 0.00001; gnomAD 0.00001; TOPMed 0.00001; ExAC 0.00002.
gnomAD v4.1: 4 of 1,607,048 alleles (0.00025%); highest among the groups gnomAD compares: Non-Finnish European, 0.00034%; no homozygotes.

Submission:

GeneDx
Classification: Uncertain significance. Last evaluated: 2023-03-17. Review status: criteria provided, single submitter. Criteria: GeneDx Variant Classification Process June 2021. Collection method: clinical testing. Allele origin: germline. Affected: yes.
Comment: Not observed at significant frequency in large population cohorts (gnomAD); In silico analysis supports that this missense variant does not alter protein structure/function; Has not been previously published as pathogenic or benign to our knowledge